The following is an entry in ClinVar:

ClinVar aggregate classification (germline): Uncertain significance (1 of 4 stars; one submission).

Allele frequency attached by ClinVar (database versions not stated): gnomAD exomes below 0.00001.
gnomAD v4.1: 2 of 1,613,394 alleles (0.00012%); highest among the groups gnomAD compares: Non-Finnish European, 0.00017%; no homozygotes.

Submission:

Labcorp Genetics (formerly Invitae), Labcorp
Classification: Uncertain significance. Last evaluated: 2024-02-01. Review status: criteria provided, single submitter. Criteria: Invitae Variant Classification Sherloc (09022015). Collection method: clinical testing. Allele origin: germline.
Comment: This sequence change replaces lysine, which is basic and polar, with asparagine, which is neutral and polar, at codon 225 of the HOXB13 protein (p.Lys225Asn). This variant is not present in population databases (gnomAD no frequency). This variant has not been reported in the literature in individuals affected with HOXB13-related conditions. Advanced modeling of protein sequence and biophysical properties (such as structural, functional, and spatial information, amino acid conservation, physicochemical variation, residue mobility, and thermodynamic stability) performed at Invitae indicates that this missense variant is not expected to disrupt HOXB13 protein function with a negative predictive value of 80%. In summary, the available evidence is currently insufficient to determine the role of this variant in disease. Therefore, it has been classified as a Variant of Uncertain Significance.

NM_006361.6(HOXB13):c.675G>C (p.Lys225Asn)

Gene: HOXB13 (homeobox B13; minus strand). Cytogenetic location: 17q21.32.
Variant type: single nucleotide variant.
Coding change: c.675G>C on transcript NM_006361.6 (MANE Select); coding-DNA position 675, G replaced by C.
Protein change: p.Lys225Asn; replaces lysine 225 with asparagine.
Molecular consequence: missense variant.
Genome position (GRCh38, 1-based): chr17:48,726,970, C>G on the plus strand (G>C on the coding strand, the complement: HOXB13 is on the minus strand). VCF-style: chr17-48726970-C-G. GRCh37 (hg19) VCF-style: chr17-46804332-C-G.
Other names: short protein forms K225N.
Identifiers: ClinVar variation 2714663 (VCV002714663.3), dbSNP rs2143067062, ClinGen allele CA400106692.